The following is an entry in ClinVar:

ClinVar aggregate classification (germline): other (0 of 4 stars; one submission).

Conditions:
Familial colorectal cancer. Identifiers: MedGen CN280943, MONDO:0023113. Disease mechanism: loss of function.

Submission:

Systems Biology Platform Zhejiang California International NanoSystems Institute
Classification: other for Familial colorectal cancer. Review status: no assertion criteria provided. Collection method: not provided. Allele origin: unknown.
ClinVar note: Converted during submission from cancer to other.

NM_000038.6(APC):c.-18-8204G>C

Gene: APC (APC regulator of WNT signaling pathway; plus strand). Cytogenetic location: 5q22.2.
Variant type: single nucleotide variant.
Coding change: c.-18-8204G>C on transcript NM_000038.6 (MANE Select); 8204 bases into the intron before 18 bases upstream of the start codon, G replaced by C.
Molecular consequence: intron variant.
Genome position (GRCh38, 1-based): chr5:112,746,669, G>C. VCF-style: chr5-112746669-G-C. GRCh37 (hg19) VCF-style: chr5-112082366-G-C.
Other names: c.-18-8204G>C (NM_001354895.2, NM_001127510.3, NM_001354896.2 and 2 more transcripts); c.166-19657G>C (NM_001354897.2, NM_001354902.2, NM_001127511.3); c.60+8209G>C (NM_001354898.2, NM_001354904.2); c.-1053-8204G>C (NM_001354906.2); c.-43+8744G>C (NM_001354900.2, NM_001354901.2, NM_001354905.2).
Identifiers: ClinVar variation 82351 (VCV000082351.2), dbSNP rs76308165, ClinGen allele CA006252.